The following is an entry in ClinVar:

NM_022114.4(PRDM16):c.2447A>G (p.Asn816Ser)

Gene: PRDM16 (PR/SET domain 16; plus strand). Cytogenetic location: 1p36.32.
Variant type: single nucleotide variant.
Coding change: c.2447A>G on transcript NM_022114.4 (MANE Select); coding-DNA position 2447, A replaced by G.
Protein change: p.Asn816Ser; replaces asparagine 816 with serine.
Molecular consequence: missense variant.
Genome position (GRCh38, 1-based): chr1:3,412,644, A>G. VCF-style: chr1-3412644-A-G. GRCh37 (hg19) VCF-style: chr1-3329208-A-G.
Other names: c.2447A>G, p.Asn816Ser (NM_199454.3); short protein forms N816S.
Identifiers: ClinVar variation 60726 (VCV000060726.9), dbSNP rs397514743, ClinGen allele CA144644.

ClinVar aggregate classification (germline): Conflicting classifications of pathogenicity. Review status: criteria provided, conflicting classifications (1 of 4 stars). 4 submissions from 4 submitters: Uncertain significance (2); Likely benign (1). 1 of the submissions does not count toward it. Last evaluated 2024-03-07.

Conditions:
Left ventricular noncompaction 8 (LVNC8). Identifiers: Orphanet 154, Orphanet 54260, MedGen C3809288, MONDO:0014152, OMIM 615373.
Familial restrictive cardiomyopathy (RCM). Identifiers: Orphanet 217635, MedGen C0340429, MONDO:0016340.

Allele frequency attached by ClinVar (database versions not stated): gnomAD 0.00001 and 0.00005; TOPMed 0.00001; gnomAD exomes 0.00011 and 0.00027; ExAC 0.00058.
gnomAD v4.1: 168 of 1,557,728 alleles (0.011%); highest among the groups gnomAD compares: South Asian, 0.18%; 2 homozygotes.

Submissions (4):

Labcorp Genetics (formerly Invitae), Labcorp
Classification: Uncertain significance for Left ventricular noncompaction 8. Last evaluated: 2024-03-07. Review status: criteria provided, single submitter. Criteria: Invitae Variant Classification Sherloc (09022015). Collection method: clinical testing. Allele origin: germline.
Comment: This sequence change replaces asparagine, which is neutral and polar, with serine, which is neutral and polar, at codon 816 of the PRDM16 protein (p.Asn816Ser). This variant is present in population databases (rs397514743, gnomAD 0.2%), and has an allele count higher than expected for a pathogenic variant. This missense change has been observed in individual(s) with left ventricular noncompaction or restrictive cardiomyopathy (PMID: 23768516, 31568572). ClinVar contains an entry for this variant (Variation ID: 60726). An algorithm developed to predict the effect of missense changes on protein structure and function (PolyPhen-2) suggests that this variant is likely to be tolerated. In summary, the available evidence is currently insufficient to determine the role of this variant in disease. Therefore, it has been classified as a Variant of Uncertain Significance.

Blueprint Genetics
Classification: Likely benign. Last evaluated: 2023-06-19. Review status: criteria provided, single submitter. Criteria: ACMG Guidelines, 2015. Collection method: clinical testing. Allele origin: germline.

Klaassen Lab, Charite University Medicine Berlin
Classification: Uncertain significance for Familial restrictive cardiomyopathy. Last evaluated: 2019-07-03. Review status: criteria provided, single submitter. Criteria: ACMG Guidelines, 2015. Collection method: research. Allele origin: germline. Affected: yes.

OMIM
Classification: Pathogenic for LEFT VENTRICULAR NONCOMPACTION 8. Last evaluated: 2013-07-11. Review status: no assertion criteria provided. Collection method: literature only. Allele origin: germline. Not counted in ClinVar's aggregate classification.

Literature cited by the submitters: PubMed 23768516 (cited by Labcorp Genetics (formerly Invitae), Labcorp and OMIM); PubMed 31568572 (cited by Labcorp Genetics (formerly Invitae), Labcorp and Klaassen Lab, Charite University Medicine Berlin); PubMed 31333075 (cited by Klaassen Lab, Charite University Medicine Berlin).